The following is an entry in ClinVar:

ClinVar aggregate classification (germline): Uncertain significance. Review status: criteria provided, multiple submitters, no conflicts (2 of 4 stars). 2 submissions from 2 submitters: Uncertain significance (2). Last evaluated 2026-07-07.

Conditions:
CCDC50-related disorder. Also called: CCDC50-related condition.

Allele frequency attached by ClinVar (database versions not stated): gnomAD exomes 0.00001; TOPMed 0.00002; gnomAD 0.00003; ExAC 0.00006.
gnomAD v4.1: 18 of 1,612,862 alleles (0.0011%); highest among the groups gnomAD compares: East Asian, 0.033%; no homozygotes.

Submissions (2):

PreventionGenetics, part of Exact Sciences
Classification: Uncertain significance for CCDC50-related condition. Last evaluated: 2026-07-07. Review status: criteria provided, single submitter. Criteria: ACMG Guidelines, 2015. Collection method: clinical testing. Allele origin: germline.
Comment: The CCDC50 c.1156A>G variant is predicted to result in the amino acid substitution p.Met386Val. This variant was reported in an individual with hearing loss (Table S2, Ma et al. 2023. PubMed ID: 36597107). This variant is reported in 0.060% of alleles in individuals of East Asian descent in gnomAD. At this time, the clinical significance of this variant is uncertain due to the absence of conclusive functional and genetic evidence.

Ambry Genetics
Classification: Uncertain significance. Last evaluated: 2023-04-13. Review status: criteria provided, single submitter. Criteria: Ambry Variant Classification Scheme 2023. Collection method: clinical testing. Allele origin: germline.

NM_178335.3(CCDC50):c.1156A>G (p.Met386Val)

Gene: CCDC50 (coiled-coil domain containing 50; plus strand). Cytogenetic location: 3q28.
Variant type: single nucleotide variant.
Coding change: c.1156A>G on transcript NM_178335.3 (MANE Select); coding-DNA position 1156, A replaced by G.
Protein change: p.Met386Val; replaces methionine 386 with valine.
Molecular consequence: missense variant.
Genome position (GRCh38, 1-based): chr3:191,380,846, A>G. VCF-style: chr3-191380846-A-G. GRCh37 (hg19) VCF-style: chr3-191098635-A-G.
Other names: c.628A>G, p.Met210Val (NM_174908.4); short protein forms M210V, M386V.
Identifiers: ClinVar variation 2523839 (VCV002523839.3), dbSNP rs772679997, ClinGen allele CA2755473.
Genomic context (GRCh38, chr3:191,380,846, plus strand): 5'-CTGCACCTCTGCAGTTAATGATATTGACTGTATTTTGTTTAGGAAATCGCTCGACTTCTA[A>G]TGGCTGAAGAAAAGAAAGCTTACAAAAAAGCCAAGGAGCGGGAGAAATCATCTTTGGACA-3'
Protein context (NP_848018.1, residues 376-396): AQDEEIARLL[Met386Val]AEEKKAYKKA